The following is an entry in ClinVar:

ClinVar aggregate classification (germline): Likely benign (1 of 4 stars; one submission).

gnomAD v4.1: 216 of 1,613,434 alleles (0.013%); highest among the groups gnomAD compares: Non-Finnish European, 0.018%; no homozygotes.

Submission:

CeGaT Center for Human Genetics Tuebingen
Classification: Likely benign. Last evaluated: 2026-08-01. Review status: criteria provided, single submitter. Criteria: CeGaT Center For Human Genetics Tuebingen Variant Classification Criteria Version 2. Collection method: clinical testing. Allele origin: germline. Affected: yes. Observed: 1 variant allele.
Comment: GRIA4: BP4, BP7

NM_000829.4(GRIA4):c.993T>C (p.Cys331=)

Gene: GRIA4 (glutamate ionotropic receptor AMPA type subunit 4; plus strand). Cytogenetic location: 11q22.3.
Variant type: single nucleotide variant.
Coding change: c.993T>C on transcript NM_000829.4 (MANE Select); coding-DNA position 993, T replaced by C.
Protein change: p.Cys331=; no amino-acid change (cysteine 331 retained).
Molecular consequence: synonymous variant. On other transcripts: non-coding transcript variant (1).
Genome position (GRCh38, 1-based): chr11:105,903,921, T>C. VCF-style: chr11-105903921-T-C. GRCh37 (hg19) VCF-style: chr11-105774647-T-C.
Other names: c.993T>C, p.Cys331= (NM_001077243.3, NM_001077244.2, NM_001112812.2 and 20 more transcripts).
Identifiers: ClinVar variation 5039002 (VCV005039002.1).